The following is an entry in ClinVar:

NM_138477.4(CDAN1):c.22C>T (p.Leu8=)

Genes: CDAN1 (codanin 1; minus strand), LOC130056933 (ATAC-STARR-seq lymphoblastoid silent region 6378; plus strand). Cytogenetic location: 15q15.2.
Variant type: single nucleotide variant.
Coding change: c.22C>T on transcript NM_138477.4 (MANE Select); coding-DNA position 22, C replaced by T.
Protein change: p.Leu8=; no amino-acid change (leucine 8 retained).
Molecular consequence: synonymous variant.
Genome position (GRCh38, 1-based): chr15:42,737,081, G>A on the plus strand (C>T on the coding strand, the complement: CDAN1 is on the minus strand). VCF-style: chr15-42737081-G-A. GRCh37 (hg19) VCF-style: chr15-43029279-G-A.
Other names: c.22C>T (NM_138477.2).
Identifiers: ClinVar variation 2063523 (VCV002063523.5), dbSNP rs371836873, ClinGen allele CA7516481.

ClinVar aggregate classification (germline): Benign/Likely benign. Review status: criteria provided, multiple submitters, no conflicts (2 of 4 stars). 2 submissions from 2 submitters: Benign (1); Likely benign (1). Last evaluated 2026-09-11.

Conditions:
CDAN1-related disorder. Also called: CDAN1-related condition.

Allele frequency attached by ClinVar (database versions not stated): 1000 Genomes Project 0.00100; TOPMed 0.00004; ESP Exome Variant Server 0.00008; gnomAD 0.00015; gnomAD exomes 0.00017; 1000 Genomes Project 30x 0.00078; ExAC 0.00079.
gnomAD v4.1: 258 of 1,531,836 alleles (0.017%); highest among the groups gnomAD compares: South Asian, 0.23%; 1 homozygote.

Submissions (2):

PreventionGenetics, part of Exact Sciences
Classification: Likely benign for CDAN1-related condition. Last evaluated: 2026-09-11. Review status: criteria provided, single submitter. Criteria: ACMG Guidelines, 2015. Collection method: clinical testing. Allele origin: germline.
Comment: This variant is classified as likely benign based on ACMG/AMP sequence variant interpretation guidelines (Richards et al. 2015 PMID: 25741868, with internal and published modifications).

Labcorp Genetics (formerly Invitae), Labcorp
Classification: Benign. Last evaluated: 2025-12-16. Review status: criteria provided, single submitter. Criteria: Invitae Variant Classification Sherloc (09022015). Collection method: clinical testing. Allele origin: germline.